The following is an entry in ClinVar:

NM_032638.5(GATA2):c.494A>T (p.His165Leu)

Gene: GATA2 (GATA binding protein 2; minus strand). Cytogenetic location: 3q21.3.
Variant type: single nucleotide variant.
Coding change: c.494A>T on transcript NM_032638.5 (MANE Select); coding-DNA position 494, A replaced by T.
Protein change: p.His165Leu; replaces histidine 165 with leucine.
Molecular consequence: missense variant.
Genome position (GRCh38, 1-based): chr3:128,486,104, T>A on the plus strand (A>T on the coding strand, the complement: GATA2 is on the minus strand). VCF-style: chr3-128486104-T-A. GRCh37 (hg19) VCF-style: chr3-128204947-T-A.
Other names: c.494A>T, p.His165Leu (NM_001145661.2, NM_001145662.1); short protein forms H165L.
Identifiers: ClinVar variation 656906 (VCV000656906.11), dbSNP rs1559987389, ClinGen allele CA354406648.
Genomic context (GRCh38, chr3:128,486,104, plus strand): 5'-GGGTCAGGAGACACTTCTTTGGGTGGCGTGGGTGGGAAGCCGAAAAGGTGGGAGCCAGAG[T>A]GGGCTGCTGTAGGGGTGAGGGAGGCCACTGAGCTCCCGCTGCCTCCCCCGCTCCCACCCC-3'
Protein context (NP_116027.2, residues 155-175): SVASLTPTAA[His165Leu]SGSHLFGFPP

ClinVar aggregate classification (germline): Uncertain significance. Review status: criteria provided, multiple submitters, no conflicts (2 of 4 stars). 3 submissions from 3 submitters: Uncertain significance (3). Last evaluated 2026-03-10.

Conditions:
Deafness-lymphedema-leukemia syndrome. Also called: Lymphedema, primary, with myelodysplasia; Emberger syndrome. Identifiers: Orphanet 3226, MedGen C3279664, MONDO:0013540, OMIM 614038.
Monocytopenia with susceptibility to infections. Also called: IMMUNODEFICIENCY 21; GATA2 DEFICIENCY; MONOCYTOPENIA AND MYCOBACTERIAL INFECTION SYNDROME; MONOCYTOPENIA WITH SUSCEPTIBILITY TO MYCOBACTERIAL, FUNGAL, AND PAPILLOMAVIRUS INFECTIONS AND MYELODYSPLASIA; COMBINED IMMUNODEFICIENCY WITH SUSCEPTIBILITY TO MYCOBACTERIAL, VIRAL, AND FUNGAL INFECTIONS; Dendritic cell, monocyte, B lymphocyte, and natural killer lymphocyte deficiency. Identifiers: Orphanet 228423, MedGen C3280030, MONDO:0013607, OMIM 614172.
Inborn genetic diseases. Identifiers: MedGen C0950123, MeSH D030342.
Acute myeloid leukemia (AML). Also called: Acute myeloid leukemia, adult; AML adult; Acute non-lymphocytic leukemia; Acute granulocytic leukemia; Leukemia, acute myeloid, somatic; Leukemia, acute myelogenous, somatic. Identifiers: Orphanet 519, MedGen C0023467, MeSH D015470, MONDO:0018874, OMIM 601626, HP:0004808. Disease mechanism: Constitutively activated FLT3.
Myelodysplastic syndrome (MDS). Also called: Myelodysplastic syndrome, somatic; MYELODYSPLASTIC SYNDROME, SUSCEPTIBILITY TO; Myelodysplastic syndromes. Identifiers: Orphanet 52688, MedGen C3463824, MeSH D009190, MONDO:0018881, OMIM 614286.

Allele frequency attached by ClinVar (database versions not stated): gnomAD exomes below 0.00001.
gnomAD v4.1: 1 of 1,613,164 alleles (0.000062%); highest among the groups gnomAD compares: East Asian, 0.0022%; no homozygotes.

Submissions (3):

Ambry Genetics
Classification: Uncertain significance for Inborn genetic diseases. Last evaluated: 2026-03-10. Review status: criteria provided, single submitter. Criteria: Ambry Variant Classification Scheme 2023. Collection method: clinical testing. Allele origin: germline.
Comment: The p.H165L variant (also known as c.494A>T), located in coding exon 2 of the GATA2 gene, results from an A to T substitution at nucleotide position 494. The histidine at codon 165 is replaced by leucine, an amino acid with similar properties. This amino acid position is well conserved in available vertebrate species. In addition, the in silico prediction for this alteration is inconclusive. Based on the available evidence, the clinical significance of this variant remains unclear.

Labcorp Genetics (formerly Invitae), Labcorp
Classification: Uncertain significance for Monocytopenia with susceptibility to infections; Deafness-lymphedema-leukemia syndrome. Last evaluated: 2023-07-17. Review status: criteria provided, single submitter. Criteria: Invitae Variant Classification Sherloc (09022015). Collection method: clinical testing. Allele origin: germline.
Comment: In summary, the available evidence is currently insufficient to determine the role of this variant in disease. Therefore, it has been classified as a Variant of Uncertain Significance. Advanced modeling of protein sequence and biophysical properties (such as structural, functional, and spatial information, amino acid conservation, physicochemical variation, residue mobility, and thermodynamic stability) has been performed at Invitae for this missense variant, however the output from this modeling did not meet the statistical confidence thresholds required to predict the impact of this variant on GATA2 protein function. ClinVar contains an entry for this variant (Variation ID: 656906). This variant has not been reported in the literature in individuals affected with GATA2-related conditions. This variant is not present in population databases (gnomAD no frequency). This sequence change replaces histidine, which is basic and polar, with leucine, which is neutral and non-polar, at codon 165 of the GATA2 protein (p.His165Leu).

Fulgent Genetics
Classification: Uncertain significance for Acute myeloid leukemia; Deafness-lymphedema-leukemia syndrome; Monocytopenia with susceptibility to infections; Myelodysplastic syndrome. Last evaluated: 2022-03-01. Review status: criteria provided, single submitter. Criteria: ACMG Guidelines, 2015. Collection method: clinical testing. Allele origin: unknown.